The following is an entry in ClinVar:

ClinVar aggregate classification (germline): Likely benign (1 of 4 stars; one submission).

Conditions:
GANAB-related disorder. Also called: GANAB-related condition.

gnomAD v4.1: 27 of 1,613,932 alleles (0.0017%); highest among the groups gnomAD compares: Admixed American, 0.012%; no homozygotes.

Submission:

PreventionGenetics, part of Exact Sciences
Classification: Likely benign for GANAB-related condition. Last evaluated: 2026-01-29. Review status: criteria provided, single submitter. Criteria: ACMG Guidelines, 2015. Collection method: clinical testing. Allele origin: germline.
Comment: This variant is classified as likely benign based on ACMG/AMP sequence variant interpretation guidelines (Richards et al. 2015 PMID: 25741868, with internal and published modifications).

NM_198334.3(GANAB):c.1425C>T (p.Ser475=)

Gene: GANAB (glucosidase II alpha subunit; minus strand). Cytogenetic location: 11q12.3.
Variant type: single nucleotide variant.
Coding change: c.1425C>T on transcript NM_198334.3 (MANE Select); coding-DNA position 1425, C replaced by T.
Protein change: p.Ser475=; no amino-acid change (serine 475 retained).
Molecular consequence: synonymous variant.
Genome position (GRCh38, 1-based): chr11:62,630,467, G>A on the plus strand (C>T on the coding strand, the complement: GANAB is on the minus strand). VCF-style: chr11-62630467-G-A. GRCh37 (hg19) VCF-style: chr11-62397939-G-A.
Other names: c.1149C>T, p.Ser383= (NM_001278192.2); c.1083C>T, p.Ser361= (NM_001278193.2); c.1134C>T, p.Ser378= (NM_001278194.2, NM_001329222.2, NM_001329223.2); c.702C>T, p.Ser234= (NM_001329224.2, NM_001329225.2); c.1491C>T, p.Ser497= (NM_198335.4).
Identifiers: ClinVar variation 4977760 (VCV004977760.1).